The following is an entry in ClinVar:

ClinVar aggregate classification (germline): Benign/Likely benign. Review status: criteria provided, multiple submitters, no conflicts (2 of 4 stars). 17 submissions from 17 submitters: Benign (10); Likely benign (5). 2 of the submissions do not count toward it. Last evaluated 2026-06-01.

Conditions:
Juvenile polyposis syndrome (JPS). Identifiers: Orphanet 2929, MedGen C0345893, MONDO:0017380, OMIM 174900.
Hereditary cancer-predisposing syndrome. Also called: Tumor predisposition; Hereditary neoplastic syndrome; Neoplastic Syndromes, Hereditary; Hereditary Cancer Syndrome. Identifiers: Orphanet 140162, MedGen C0027672, MeSH D009386, MONDO:0015356.

Allele frequency attached by ClinVar (database versions not stated): gnomAD exomes 0.00020 and 0.00064; ExAC 0.00073; 1000 Genomes Project 30x 0.00156; 1000 Genomes Project 0.00160; gnomAD 0.00234 and 0.00257; TOPMed 0.00252; ESP Exome Variant Server 0.00300.
gnomAD v4.1: 664 of 1,614,040 alleles (0.041%); highest among the groups gnomAD compares: African/African-American, 0.78%; 2 homozygotes.

Submissions (17):

CeGaT Center for Human Genetics Tuebingen
Classification: Likely benign. Last evaluated: 2026-06-01. Review status: criteria provided, single submitter. Criteria: CeGaT Center For Human Genetics Tuebingen Variant Classification Criteria Version 2. Collection method: clinical testing. Allele origin: germline. Affected: yes. Observed: 4 variant alleles.
Comment: BMPR1A: BP4, BP7

Labcorp Genetics (formerly Invitae), Labcorp
Classification: Benign for Juvenile polyposis syndrome. Last evaluated: 2026-02-03. Review status: criteria provided, single submitter. Criteria: Invitae Variant Classification Sherloc (09022015). Collection method: clinical testing. Allele origin: germline.

Quest Diagnostics Nichols Institute San Juan Capistrano
Classification: Benign. Last evaluated: 2025-07-11. Review status: criteria provided, single submitter. Criteria: Quest Diagnostics criteria. Collection method: clinical testing. Allele origin: unknown.

Center for Genomic Medicine, Rigshospitalet, Copenhagen University Hospital
Classification: Likely benign. Last evaluated: 2025-03-04. Review status: criteria provided, single submitter. Criteria: ACMG Guidelines, 2015. Collection method: clinical testing. Allele origin: germline.

KCCC/NGS Laboratory, Kuwait Cancer Control Center
Classification: Benign for Juvenile polyposis syndrome. Last evaluated: 2025-02-01. Review status: criteria provided, single submitter. Criteria: ACMG Guidelines, 2015. Collection method: clinical testing. Allele origin: germline. Affected: no.

Blueprint Genetics
Classification: Likely benign. Last evaluated: 2024-10-18. Review status: criteria provided, single submitter. Criteria: ACMG Guidelines, 2015. Collection method: clinical testing. Allele origin: germline.

Myriad Genetics, Inc.
Classification: Benign for Juvenile polyposis syndrome. Last evaluated: 2023-03-02. Review status: criteria provided, single submitter. Criteria: Myriad Autosomal Dominant, Autosomal Recessive and X-Linked Classification Criteria (2023). Collection method: clinical testing. Allele origin: unknown.
Comment: This variant is considered benign. This variant is a silent/synonymous amino acid change and it is not expected to impact splicing.

Sema4
Classification: Benign for Hereditary cancer-predisposing syndrome. Last evaluated: 2020-11-06. Review status: criteria provided, single submitter. Criteria: Sema4 Curation Guidelines. Collection method: curation. Allele origin: germline.

Eurofins Ntd Llc (ga)
Classification: Benign. Last evaluated: 2018-05-29. Review status: criteria provided, single submitter. Criteria: EGL ClinVar v180209 classification definitions. Collection method: clinical testing. Allele origin: germline. Observed: 1 variant allele, 1 heterozygote.

Genetic Services Laboratory, University of Chicago
Classification: Benign. Last evaluated: 2018-03-22. Review status: criteria provided, single submitter. Criteria: ACMG Guidelines, 2015. Collection method: clinical testing. Allele origin: germline. Affected: no.

PreventionGenetics, part of Exact Sciences
Classification: Benign. Last evaluated: 2017-03-27. Review status: criteria provided, single submitter. Criteria: ACMG Guidelines, 2015. Collection method: clinical testing. Allele origin: germline.

Color Diagnostics, LLC DBA Color Health
Classification: Benign for Hereditary cancer-predisposing syndrome. Last evaluated: 2016-03-09. Review status: criteria provided, single submitter. Criteria: ACMG Guidelines, 2015. Collection method: clinical testing. Allele origin: germline.

Ambry Genetics
Classification: Likely benign for Hereditary cancer-predisposing syndrome. Last evaluated: 2014-12-21. Review status: criteria provided, single submitter. Criteria: Ambry Variant Classification Scheme 2023. Collection method: clinical testing. Allele origin: germline.

GeneDx
Classification: Benign. Last evaluated: 2014-02-17. Review status: criteria provided, single submitter. Criteria: GeneDx Variant Classification (06012015). Collection method: clinical testing. Allele origin: germline. Affected: yes.
Comment: This variant is considered likely benign or benign based on one or more of the following criteria: it is a conservative change, it occurs at a poorly conserved position in the protein, it is predicted to be benign by multiple in silico algorithms, and/or has population frequency not consistent with disease.

Breakthrough Genomics
Classification: Likely benign. Review status: criteria provided, single submitter. Criteria: ACMG Guidelines, 2015. Collection method: not provided. Allele origin: germline. Inheritance: Autosomal dominant inheritance. Affected: yes.

Counsyl
Classification: Likely benign for Juvenile polyposis syndrome. Last evaluated: 2015-11-17. Review status: no assertion criteria provided. Collection method: clinical testing. Allele origin: unknown. Not counted in ClinVar's aggregate classification.

Department of Pathology and Laboratory Medicine, Sinai Health System
Classification: Likely benign. Review status: no assertion criteria provided. Collection method: clinical testing. Allele origin: unknown. Affected: yes. Study: The Canadian Open Genetics Repository (COGR). Not counted in ClinVar's aggregate classification.
Comment: The BMPR1A p.Leu206= variant was not identified in the literature nor was it identified in the LOVD 3.0 database. The variant was identified in dbSNP (ID: rs55992440) as "With other allele", and ClinVar (classified as benign by Invitae, GeneDx and five other submitters; as likely benign by two submitters). The variant was identified in control databases in 226 of 277110 chromosomes (1 homozygous) at a frequency of 0.0008 increasing the likelihood this could be a low frequency benign variant (Genome Aggregation Database Feb 27, 2017). The variant was observed in the following populations: African in 199 of 24032 chromosomes (freq: 0.008), Other in 1 of 6458 chromosomes (freq: 0.0002), Latino in 25 of 34400 chromosomes (freq: 0.0008), European in 1 of 126628 chromosomes (freq: 0.000008), while the variant was not observed in the Ashkenazi Jewish, East Asian, Finnish, and South Asian populations. The p.Leu206= variant is not expected to have clinical significance because it does not result in a change of amino acid and is not located in a known consensus splice site. In addition, in silico or computational prediction software programs (SpliceSiteFinder, MaxEntScan, NNSPLICE, GeneSplicer) do not predict a difference in splicing. In summary, based on the above information the clinical significance of this variant cannot be determined with certainty at this time although we would lean towards a more benign role for this variant. This variant is classified as likely benign.

Literature cited by the submitters: PubMed 17344846 (cited by Quest Diagnostics Nichols Institute San Juan Capistrano and Counsyl).

NM_004329.3(BMPR1A):c.618A>G (p.Leu206=)

Gene: BMPR1A (bone morphogenetic protein receptor type 1A; plus strand). Cytogenetic location: 10q23.2.
Variant type: single nucleotide variant.
Coding change: c.618A>G on transcript NM_004329.3 (MANE Select); coding-DNA position 618, A replaced by G.
Protein change: p.Leu206=; no amino-acid change (leucine 206 retained).
Molecular consequence: synonymous variant.
Genome position (GRCh38, 1-based): chr10:86,912,327, A>G. VCF-style: chr10-86912327-A-G. GRCh37 (hg19) VCF-style: chr10-88672084-A-G.
Other names: p.L206L:CTA>CTG.
Identifiers: ClinVar variation 132739 (VCV000132739.63), dbSNP rs55992440, ClinGen allele CA289717.